The following is an entry in ClinVar:

NM_002439.5(MSH3):c.3271A>G (p.Lys1091Glu)

Gene: MSH3 (mutS homolog 3; plus strand). Cytogenetic location: 5q14.1.
Variant type: single nucleotide variant.
Coding change: c.3271A>G on transcript NM_002439.5 (MANE Select); coding-DNA position 3271, A replaced by G.
Protein change: p.Lys1091Glu; replaces lysine 1091 with glutamic acid.
Molecular consequence: missense variant.
Genome position (GRCh38, 1-based): chr5:80,873,256, A>G. VCF-style: chr5-80873256-A-G. GRCh37 (hg19) VCF-style: chr5-80169075-A-G.
Other names: short protein forms K1091E.
Identifiers: ClinVar variation 944190 (VCV000944190.13), dbSNP rs1746253572, ClinGen allele CA360347074.

ClinVar aggregate classification (germline): Uncertain significance. Review status: criteria provided, multiple submitters, no conflicts (2 of 4 stars). 2 submissions from 2 submitters: Uncertain significance (2). Last evaluated 2025-07-29.

Conditions:
Hereditary cancer-predisposing syndrome. Also called: Neoplastic Syndromes, Hereditary; Hereditary Cancer Syndrome; Tumor predisposition; Hereditary neoplastic syndrome. Identifiers: Orphanet 140162, MedGen C0027672, MeSH D009386, MONDO:0015356.

Allele frequency attached by ClinVar (database versions not stated): gnomAD exomes below 0.00001.
gnomAD v4.1: 1 of 1,613,984 alleles (0.000062%); highest among the groups gnomAD compares: Middle Eastern, 0.017%; no homozygotes.

Submissions (2):

Ambry Genetics
Classification: Uncertain significance for Hereditary cancer-predisposing syndrome. Last evaluated: 2025-07-29. Review status: criteria provided, single submitter. Criteria: Ambry Variant Classification Scheme 2023. Collection method: clinical testing. Allele origin: germline.
Comment: The p.K1091E variant (also known as c.3271A>G), located in coding exon 23 of the MSH3 gene, results from an A to G substitution at nucleotide position 3271. The lysine at codon 1091 is replaced by glutamic acid, an amino acid with similar properties. This amino acid position is well conserved in available vertebrate species. In addition, the in silico prediction for this alteration is inconclusive. Based on the available evidence, the clinical significance of this variant remains unclear.

Labcorp Genetics (formerly Invitae), Labcorp
Classification: Uncertain significance. Last evaluated: 2024-03-19. Review status: criteria provided, single submitter. Criteria: Invitae Variant Classification Sherloc (09022015). Collection method: clinical testing. Allele origin: germline.
Comment: This sequence change replaces lysine, which is basic and polar, with glutamic acid, which is acidic and polar, at codon 1091 of the MSH3 protein (p.Lys1091Glu). This variant is not present in population databases (gnomAD no frequency). This variant has not been reported in the literature in individuals affected with MSH3-related conditions. ClinVar contains an entry for this variant (Variation ID: 944190). An algorithm developed to predict the effect of missense changes on protein structure and function (PolyPhen-2) suggests that this variant is likely to be tolerated. In summary, the available evidence is currently insufficient to determine the role of this variant in disease. Therefore, it has been classified as a Variant of Uncertain Significance.